The following is an entry in ClinVar:

ClinVar aggregate classification (germline): Uncertain significance (1 of 4 stars; one submission).

Allele frequency attached by ClinVar (database versions not stated): gnomAD exomes below 0.00001.
gnomAD v4.1: 1 of 1,613,714 alleles (0.000062%); highest among the groups gnomAD compares: Non-Finnish European, 0.000085%; no homozygotes.

Submission:

Labcorp Genetics (formerly Invitae), Labcorp
Classification: Uncertain significance. Last evaluated: 2022-03-10. Review status: criteria provided, single submitter. Criteria: Invitae Variant Classification Sherloc (09022015). Collection method: clinical testing. Allele origin: germline.
Comment: In summary, the available evidence is currently insufficient to determine the role of this variant in disease. Therefore, it has been classified as a Variant of Uncertain Significance. Advanced modeling of protein sequence and biophysical properties (such as structural, functional, and spatial information, amino acid conservation, physicochemical variation, residue mobility, and thermodynamic stability) performed at Invitae indicates that this missense variant is not expected to disrupt DCHS1 protein function. This variant has not been reported in the literature in individuals affected with DCHS1-related conditions. This variant is not present in population databases (gnomAD no frequency). This sequence change replaces serine, which is neutral and polar, with asparagine, which is neutral and polar, at codon 490 of the DCHS1 protein (p.Ser490Asn).

NM_003737.4(DCHS1):c.1469G>A (p.Ser490Asn)

Gene: DCHS1 (dachsous cadherin-related 1; minus strand). Cytogenetic location: 11p15.4.
Variant type: single nucleotide variant.
Coding change: c.1469G>A on transcript NM_003737.4 (MANE Select); coding-DNA position 1469, G replaced by A.
Protein change: p.Ser490Asn; replaces serine 490 with asparagine.
Molecular consequence: missense variant.
Genome position (GRCh38, 1-based): chr11:6,640,145, C>T on the plus strand (G>A on the coding strand, the complement: DCHS1 is on the minus strand). VCF-style: chr11-6640145-C-T. GRCh37 (hg19) VCF-style: chr11-6661376-C-T.
Other names: short protein forms S490N.
Identifiers: ClinVar variation 2102432 (VCV002102432.4), dbSNP rs2493840568, ClinGen allele CA379431932.
Genomic context (GRCh38, chr11:6,640,145, plus strand): 5'-TAAGTGACCTGACCATTGGTGCCTTGGTCAGGATCCCGAGCAGTCACCCGCACTACAAAG[C>T]TGCCAGGCAGCGCAACCTCAGGCAGGGGCTCAGGTCGGTAGAGCTGGCGGTCAAAGGCAG-3'
Protein context (NP_003728.1, residues 480-500): EPLPEVALPG[Ser490Asn]FVVRVTARDP